The following is an entry in ClinVar:

NM_001356.5(DDX3X):c.1423C>G (p.Arg475Gly)

Gene: DDX3X (DEAD-box helicase 3 X-linked; plus strand). Cytogenetic location: Xp11.4.
Variant type: single nucleotide variant.
Coding change: c.1423C>G on transcript NM_001356.5 (MANE Select); coding-DNA position 1423, C replaced by G.
Protein change: p.Arg475Gly; replaces arginine 475 with glycine.
Molecular consequence: missense variant. On other transcripts: non-coding transcript variant (1).
Genome position (GRCh38, 1-based): chrX:41,346,336, C>G. VCF-style: chrX-41346336-C-G. GRCh37 (hg19) VCF-style: chrX-41205589-C-G.
Other names: c.1423C>G, p.Arg475Gly (NM_001193416.3); c.1375C>G, p.Arg459Gly (NM_001193417.3); c.865C>G, p.Arg289Gly (NM_001363819.1); short protein forms R475G, R459G, R289G.
Identifiers: ClinVar variation 420594 (VCV000420594.9), dbSNP rs1064794574, ClinGen allele CA16621388.

ClinVar aggregate classification (germline): Pathogenic/Likely pathogenic. Review status: criteria provided, multiple submitters, no conflicts (2 of 4 stars). 3 submissions from 3 submitters: Pathogenic (2); Likely pathogenic (1). Last evaluated 2022-02-02.

Conditions:
Inborn genetic diseases. Identifiers: MedGen C0950123, MeSH D030342.

Submissions (3):

Labcorp Genetics (formerly Invitae), Labcorp
Classification: Pathogenic. Last evaluated: 2022-02-02. Review status: criteria provided, single submitter. Criteria: Invitae Variant Classification Sherloc (09022015). Collection method: clinical testing. Allele origin: germline.
Comment: This sequence change replaces arginine, which is basic and polar, with glycine, which is neutral and non-polar, at codon 475 of the DDX3X protein (p.Arg475Gly). This variant is not present in population databases (gnomAD no frequency). For these reasons, this variant has been classified as Pathogenic. Experimental studies have shown that this missense change affects DDX3X function (PMID: 32135084). Algorithms developed to predict the effect of missense changes on protein structure and function are either unavailable or do not agree on the potential impact of this missense change (SIFT: "Deleterious"; PolyPhen-2: "Not Available"; Align-GVGD: "Class C15"). ClinVar contains an entry for this variant (Variation ID: 420594). This missense change has been observed in individual(s) with clinical features of X-linked intellectual disability syndrome (PMID: 26235985). In at least one individual the variant was observed to be de novo.

GeneDx
Classification: Likely pathogenic. Last evaluated: 2017-03-16. Review status: criteria provided, single submitter. Criteria: GeneDx Variant Classification (06012015). Collection method: clinical testing. Allele origin: germline. Affected: yes.
Comment: The R475G variant is not observed in large population cohorts (Lek et al., 2016; 1000 Genomes Consortium et al., 2015; Exome Variant Server). The R475G variant is a non-conservative amino acid substitution, which is likely to impact secondary protein structure as these residues differ in polarity, charge, size and/or other properties. This substitution occurs at a position that is conserved across species. In silico analysis predicts this variant is probably damaging to the protein structure/function. We interpret R475G as a likely pathogenic variant.

Ambry Genetics
Classification: Pathogenic for Inborn genetic diseases. Last evaluated: 2015-09-29. Review status: criteria provided, single submitter. Criteria: Ambry exome assertion method (8-5-2015). Collection method: clinical testing. Allele origin: germline. Affected: yes. Observed: 1 variant allele.

Literature cited by the submitters: PubMed 32135084 (cited by Labcorp Genetics (formerly Invitae), Labcorp); PubMed 26235985 (cited by Labcorp Genetics (formerly Invitae), Labcorp).